The following is an entry in ClinVar:

NM_014795.4(ZEB2):c.134A>C (p.His45Pro)

Gene: ZEB2 (zinc finger E-box binding homeobox 2; minus strand). Cytogenetic location: 2q22.3.
Variant type: single nucleotide variant.
Coding change: c.134A>C on transcript NM_014795.4 (MANE Select); coding-DNA position 134, A replaced by C.
Protein change: p.His45Pro; replaces histidine 45 with proline.
Molecular consequence: missense variant.
Genome position (GRCh38, 1-based): chr2:144,429,966, T>G on the plus strand (A>C on the coding strand, the complement: ZEB2 is on the minus strand). VCF-style: chr2-144429966-T-G. GRCh37 (hg19) VCF-style: chr2-145187533-T-G.
Other names: c.134A>C, p.His45Pro (NM_001171653.2); short protein forms H45P.
Identifiers: ClinVar variation 3372302 (VCV003372302.1).
Genomic context (GRCh38, chr2:144,429,966, plus strand): 5'-ACACTAGCTGGACTCGTCTCCTGGTCCAGAGGGTTGGCAATACCGTCATCCTCAGCAATA[T>G]GAAGCTTGTCTTCCTCATCTGTTTCAGAACCTGTGTCCACTACATTGTCATAGTTCACCA-3'
Protein context (NP_055610.1, residues 35-55): GSETDEEDKL[His45Pro]IAEDDGIANP

ClinVar aggregate classification (germline): Uncertain significance (1 of 4 stars; one submission).

gnomAD v4.1: 1 of 1,613,918 alleles (0.000062%); highest among the groups gnomAD compares: Non-Finnish European, 0.000085%; no homozygotes.

Submission:

GeneDx
Classification: Uncertain significance. Last evaluated: 2024-04-10. Review status: criteria provided, single submitter. Criteria: GeneDx Variant Classification Process June 2021. Collection method: clinical testing. Allele origin: germline. Affected: yes.
Comment: Not observed at significant frequency in large population cohorts (gnomAD); In silico analysis supports that this missense variant has a deleterious effect on protein structure/function; Has not been previously published as pathogenic or benign to our knowledge